The following is an entry in ClinVar:

NM_004130.4(GYG1):c.487del (p.Asp163fs)

Gene: GYG1 (glycogenin 1; plus strand). Cytogenetic location: 3q24.
Variant type: Deletion.
Coding change: c.487del on transcript NM_004130.4 (MANE Select); coding-DNA position 487, one base deleted (G; older notation c.487delG).
Protein change: p.Asp163fs; shifts the reading frame from aspartic acid 163.
Molecular consequence: frameshift variant.
Genome position (GRCh38, 1-based): chr3:149,009,281, G deleted; the last of 4 consecutive G bases (chr3:149,009,278-149,009,281); deleting any one gives the same sequence. VCF-style (leftmost placement, unchanged base first): chr3-149009277-TG-T. GRCh37 (hg19) VCF-style: chr3-148727064-TG-T.
Other names: NM_004130.4(GYG1):c.487del; p.Asp163fs; c.487delG (NM_004130.3); c.484delG (NM_004130.3); c.487del, p.Asp163fs (NM_001184720.2, NM_001184721.2); short protein forms D163fs.
Identifiers: ClinVar variation 162665 (VCV000162665.68), dbSNP rs727502871, ClinGen allele CA175132.

ClinVar aggregate classification (germline): Pathogenic. Review status: criteria provided, multiple submitters, no conflicts (2 of 4 stars). 17 submissions from 16 submitters: Pathogenic (15). 2 of the submissions do not count toward it. Last evaluated 2026-09-01.

Conditions:
GYG1-related disorder. Also called: GYG1-related condition.
Glycogen storage disease XV (GSD15). Also called: GLYCOGENIN DEFICIENCY; GSD XV. Identifiers: Orphanet 263297, MedGen C3150754, MONDO:0013291, OMIM 613507.
Polyglucosan body myopathy type 2. Identifiers: Orphanet 456369, MedGen C4015452, MONDO:0014526, OMIM 616199.
GYG1-related disorders.

Submissions 1 to 11 of 17:

CeGaT Center for Human Genetics Tuebingen
Classification: Pathogenic. Last evaluated: 2026-09-01. Review status: criteria provided, single submitter. Criteria: CeGaT Center For Human Genetics Tuebingen Variant Classification Criteria Version 2. Collection method: clinical testing. Allele origin: germline. Affected: yes. Observed: 4 variant alleles.
Comment: GYG1: PM3:Very Strong, PVS1, PM2

Labcorp Genetics (formerly Invitae), Labcorp
Classification: Pathogenic for Polyglucosan body myopathy type 2; Glycogen storage disease XV. Last evaluated: 2026-01-19. Review status: criteria provided, single submitter. Criteria: Invitae Variant Classification Sherloc (09022015). Collection method: clinical testing. Allele origin: germline.
Comment: This sequence change creates a premature translational stop signal (p.Asp163Thrfs*5) in the GYG1 gene. It is expected to result in an absent or disrupted protein product. Loss-of-function variants in GYG1 are known to be pathogenic (PMID: 20357282, 25272951). This variant is present in population databases (rs764622581, gnomAD 0.08%). This premature translational stop signal has been observed in individuals with glycogen storage disease type XV (PMID: 20357282, 29264399, 29422440). This variant is also known as c.484delG. ClinVar contains an entry for this variant (Variation ID: 162665). For these reasons, this variant has been classified as Pathogenic.

3billion
Classification: Pathogenic for Glycogen storage disease XV. Last evaluated: 2025-05-28. Review status: criteria provided, single submitter. Criteria: ACMG Guidelines, 2015. Collection method: clinical testing. Allele origin: germline. Affected: yes.
Comment: The variant is observed at an extremely low frequency in the gnomAD v4.1.0 dataset (total allele frequency: 0.041%). Predicted Consequence/Location: Frameshift: predicted to result in a loss or disruption of normal protein function through nonsense-mediated decay (NMD) or protein truncation. Multiple pathogenic variants are reported downstream of the variant. The variant has been reported at least twice as pathogenic with clinical assertions and evidence for the classification (ClinVar ID: VCV000162665 /PMID: 20357282). Therefore, this variant is classified as Pathogenic according to the recommendation of ACMG/AMP guideline.

Dasa
Classification: Pathogenic. Last evaluated: 2025-05-28. Review status: criteria provided, single submitter. Criteria: DASA Assertion Criteria. Collection method: clinical testing. Allele origin: germline.
Comment: NM_004130.4(GYG1):c.487del (p.Asp163ThrfsTer5) introduces a premature termination codon predicted to result in loss of normal protein function. Loss-of-function is an established mechanism of disease for this gene. This variant has been recurrently observed in affected individuals with related phenotype in a genotype context consistent with recessive disease (PMID: 20357282; PMID: 29264399; PMID: 29422440). The variant is present at low frequency in population datasets. Based on the available data, this variant is classified as pathogenic.

Mayo Clinic Laboratories, Mayo Clinic
Classification: Pathogenic. Last evaluated: 2025-03-13. Review status: criteria provided, single submitter. Criteria: ACMG Guidelines, 2015. Collection method: clinical testing. Allele origin: germline. Observed: 1 variant allele.
Comment: PP4, PM3, PS4_moderate, PVS1

Blueprint Genetics
Classification: Pathogenic for GYG1-related disorders. Last evaluated: 2024-10-24. Review status: criteria provided, single submitter. Criteria: ACMG Guidelines, 2015. Collection method: clinical testing. Allele origin: germline. Affected: yes. Observed: 5 variant alleles.

PreventionGenetics, part of Exact Sciences
Classification: Pathogenic for GYG1-related condition. Last evaluated: 2024-10-09. Review status: criteria provided, single submitter. Criteria: ACMG Guidelines, 2015. Collection method: clinical testing. Allele origin: germline.
Comment: The GYG1 c.487delG variant is predicted to result in a frameshift and premature protein termination (p.Asp163Thrfs*5). This variant has been reported to be pathogenic for glycogenin-1 deficiency (see for example at Moslemi et al. 2010. PubMed ID: 20357282; Krag et al. 2017. PubMed ID: 28453664; Hedberg-Oldfors et al. 2017. PubMed ID: 29143313). This variant is reported in 0.074% of alleles in individuals of European (Non-Finnish) descent in gnomAD. Frameshift variants in GYG1 are expected to be pathogenic. This variant is interpreted as pathogenic.

Women's Health and Genetics/Laboratory Corporation of America, LabCorp
Classification: Pathogenic for Polyglucosan body myopathy type 2. Last evaluated: 2023-04-05. Review status: criteria provided, single submitter. Criteria: LabCorp Variant Classification Summary - May 2015. Collection method: clinical testing. Allele origin: germline.
Comment: Variant summary: GYG1 c.487delG (p.Asp163ThrfsX5) results in a premature termination codon, predicted to cause a truncation of the encoded protein or absence of the protein due to nonsense mediated decay, which are commonly known mechanisms for disease. Truncations downstream of this position have been classified as pathogenic in ClinVar and associated with Polyglucosan Body Myopathy Type 2 in HGMD. The variant allele was found at a frequency of 0.0004 in 251230 control chromosomes. c.487delG has been reported in the literature in multiple homozygous or compound heterozygous individuals affected with Polyglucosan Body Myopathy Type 2 (example: Desikan_2018) or with phenotypes consistent with the disease (examples: Moslemi_2010, BenYaou_2017, Hedberg-Oldfors_2018). These data indicate that the variant is very likely to be associated with disease. To our knowledge, no experimental evidence demonstrating an impact on protein function has been reported. Nine clinical diagnostic laboratories have submitted clinical-significance assessments for this variant to ClinVar after 2014 without evidence for independent evaluation. All laboratories classified the variant as pathogenic (n=9). Based on the evidence outlined above, the variant was classified as pathogenic.

Broad Center for Mendelian Genomics, Broad Institute of MIT and Harvard
Classification: Pathogenic for Polyglucosan body myopathy type 2. Last evaluated: 2023-01-25. Review status: criteria provided, single submitter. Criteria: ACMG Guidelines, 2015. Collection method: curation. Allele origin: germline. Inheritance: Autosomal recessive inheritance.
Comment: The p.Asp163ThrfsTer5 variant has been previously reported in six unrelated individuals with polyglucosan body myopathy type 2 (PMID: 29422440, PMID: 29143313, PMID: 29264399, PMID: 28453664, PMID: 25272951, PMID: 20357282), but has been identified in 95/129080 (0.07360%) of non-Finnish European chromosomes by the Genome Aggregation Database (gnomAD; dbSNP ID: rs1451817453). Although this variant has been seen in the general population in a heterozygous state, its frequency is not high enough to rule out a pathogenic role. This variant has also been reported in ClinVar (Variation ID: 162665) and has been interpreted as pathogenic by the NIH Undiagnosed Diseases Network, GeneDx, Invitae, CeGaT Center for Human Genetics Tuebingen, Eurofins NTD LLC (GA), Mass General Brigham Personalized Medicine Laboratory for Molecular Medicine, OMIM, and PerkinElmer Genomics. Of these six affected unrelated individuals that were previously reported, four were homozygotes (PMID: 29422440, PMID: 29264399, PMID: 28453664, PMID: 25272951) and one was compound heterozygote who carried a variant of uncertain significance in trans (PMID: 20357282), which increases the likelihood that the p.Asp163ThrfsTer5 variant is pathogenic. RT-PCR analysis performed on RNA from patient tissue shows undetectable expression (PMID: 29143313, PMID: 20357282, PMID: 25272951), supporting nonsense-mediated decay of the transcript. This variant is predicted to cause a frameshift, which alters the protein‚Äôs amino acid sequence beginning at position 163 and leads to a premature termination codon 5 amino acids downstream. This alteration is then predicted to lead to a truncated or absent protein. Loss of function of the GYG1 gene is an established disease mechanism in autosomal recessive polyglucosan body myopathy type 2. In summary, although additional studies are required to fully establish its clinical significance, this variant meets criteria to be classified as likely pathogenic for autosomal recessive polyglucosan body myopathy type 2. ACMG/AMP Criteria applied: PVS1, PS3_Moderate, PM3 (Richards 2015).

Institute for Medical Genetics and Human Genetics, Charité - Universitätsmedizin Berlin
Classification: Pathogenic for Glycogen storage disease XV. Last evaluated: 2022-09-27. Review status: criteria provided, single submitter. Criteria: ACMG Guidelines, 2015. Collection method: clinical testing. Allele origin: germline. Inheritance: Autosomal recessive inheritance. Affected: yes. Observed: 2 homozygotes. Clinical features observed: Motor delay (HP:0001270), Myopathy (HP:0003198), Cardiomyopathy (HP:0001638), Ventricular fibrillation (HP:0001663).

GeneDx
Classification: Pathogenic. Last evaluated: 2022-08-04. Review status: criteria provided, single submitter. Criteria: GeneDx Variant Classification Process June 2021. Collection method: clinical testing. Allele origin: germline. Affected: yes.
Comment: Frameshift variant predicted to result in protein truncation or nonsense mediated decay in a gene for which loss-of-function is a known mechanism of disease; This variant is associated with the following publications: (PMID: 28453664, 29143313, 29264399, 20357282, 25272951, 29142088, 31628455, 34426522, 31589614, 31980526, 32528171, 29422440)